The following is an entry in ClinVar:

ClinVar aggregate classification (germline): Pathogenic. Review status: criteria provided, multiple submitters, no conflicts (2 of 4 stars). 15 submissions from 15 submitters: Pathogenic (15). Last evaluated 2026-03-09.

Conditions:
PKP2-related disorder. Also called: PKP2-related condition.
Cardiovascular phenotype. Identifiers: MedGen CN230736.
Familial isolated arrhythmogenic right ventricular dysplasia. Identifiers: Orphanet 217656, MedGen C4274968, MONDO:0016342.
Arrhythmogenic right ventricular cardiomyopathy (ARVD). Also called: Arrhythmogenic right ventricular dysplasia; Cardiomyopathy, ARVC; Arrhythmogenic cardiomyopathy; Arrhythmogenic Right Ventricular Cardiomyopathy (ARVC). Identifiers: Orphanet 247, MedGen C0349788, MeSH D019571, MONDO:0016587. Disease mechanism: loss of function. Inheritance: Various modes of inheritance.
Cardiomyopathy (CMYO). Also called: Cardiomyopathies. Identifiers: Orphanet 167848, MedGen C0878544, MONDO:0004994, HP:0001638. Inheritance: Various modes of inheritance.
Arrhythmogenic right ventricular dysplasia 9 (ARVD9). Also called: Arrhythmogenic Right Ventricular Dysplasia/Cardiomyopathy 9; ARRHYTHMOGENIC RIGHT VENTRICULAR DYSPLASIA, FAMILIAL, 9. Identifiers: MedGen C1836906, MONDO:0012180, OMIM 609040.

Allele frequency attached by ClinVar (database versions not stated): gnomAD exomes below 0.00001; TOPMed below 0.00001; gnomAD 0.00001.
gnomAD v4.1: 3 of 1,613,908 alleles (0.00019%); highest among the groups gnomAD compares: Non-Finnish European, 0.00025%; no homozygotes.

Submissions 1 to 12 of 15:

Victorian Clinical Genetics Services, Murdoch Childrens Research Institute
Classification: Pathogenic for Arrhythmogenic right ventricular dysplasia 9. Last evaluated: 2026-03-09. Review status: criteria provided, single submitter. Criteria: ACMG Guidelines, 2015. Collection method: clinical testing. Allele origin: germline.
Comment: This variant is classified as Pathogenic. Evidence in support of pathogenic classification: Variant is predicted to cause nonsense-mediated decay (NMD) and loss of protein (premature termination codon is located at least 54 nucleotides upstream of the final exon-exon junction); Variant is present in gnomAD <0.01 (v4: 3 heterozygote(s), 0 homozygote(s)); This variant has strong previous evidence of pathogenicity in unrelated individuals. This variant has been classified as pathogenic by multiple clinical laboratories (ClinVar); Other NMD-predicted variant(s) comparable to the one identified in this case have very strong previous evidence for pathogenicity (DECIPHER). Additional information: This gene is associated with both recessive and dominant disease. Arrhythmogenic right ventricular dysplasia 9 (MIM#609040) is inherited in an autosomal dominant manner while biallelic loss of function variants are associated with severe perinatal and neonatal onset dilated cardiomyopathy (PMIDs: 30562116, 35059364, 38050058); Loss of function is a known mechanism of disease in this gene and is associated with arrhythmogenic right ventricular dysplasia 9 (MIM#609040) and dilated cardiomyopathy (MONDO:0005021), PKP2-related (PanelApp Australia); The autosomal dominant condition associated with this gene has incomplete penetrance (PMIDs: 17010805, 23183494); Variants in this gene that are associated with autosomal dominant arrhythmogenic right ventricular dysplasia 9 (MIM#609040) are known to have variable expressivity (PMIDs: 17010805, 23183494).

Molecular Diagnostic Laboratory for Inherited Cardiovascular Disease, Montreal Heart Institute
Classification: Pathogenic for Cardiovascular phenotype. Last evaluated: 2026-02-04. Review status: criteria provided, single submitter. Criteria: ACMG Guidelines, 2015. Collection method: clinical testing. Allele origin: germline. Affected: yes.

Labcorp Genetics (formerly Invitae), Labcorp
Classification: Pathogenic for Arrhythmogenic right ventricular dysplasia 9. Last evaluated: 2025-11-27. Review status: criteria provided, single submitter. Criteria: Invitae Variant Classification Sherloc (09022015). Collection method: clinical testing. Allele origin: germline.
Comment: This sequence change creates a premature translational stop signal (p.Gln638*) in the PKP2 gene. It is expected to result in an absent or disrupted protein product. Loss-of-function variants in PKP2 are known to be pathogenic (PMID: 15489853, 17041889, 23911551). This variant is present in population databases (rs397517012, gnomAD 0.002%). This premature translational stop signal has been observed in individual(s) with arrythmogenic right ventricular cardiomyopathy/dysplasia (ARVC/D) (PMID: 15489853, 23810883, 24967631, 26743238). ClinVar contains an entry for this variant (Variation ID: 45049). Algorithms developed to predict the effect of sequence changes on RNA splicing suggest that this variant may disrupt the consensus splice site. For these reasons, this variant has been classified as Pathogenic.

GeneDx
Classification: Pathogenic. Last evaluated: 2025-02-27. Review status: criteria provided, single submitter. Criteria: GeneDx Variant Classification Process June 2021. Collection method: clinical testing. Allele origin: germline. Affected: yes.
Comment: Nonsense variant predicted to result in protein truncation or nonsense mediated decay in a gene for which loss of function is a known mechanism of disease; Not observed at significant frequency in large population cohorts (gnomAD); This variant is associated with the following publications: (PMID: 25525159, 23810883, 26743238, 30790397, 31737537, 30731207, 32268277, 32372669, 31402444, 31386562, 15489853, 35819174, 24967631, 35653365, 34120153)

Color Diagnostics, LLC DBA Color Health
Classification: Pathogenic for Cardiomyopathy. Last evaluated: 2024-11-05. Review status: criteria provided, single submitter. Criteria: ACMG Guidelines, 2015. Collection method: clinical testing. Allele origin: germline.
Comment: This variant changes 1 nucleotide in exon 9 of the PKP2 gene, creating a premature translation stop signal. This variant is expected to result in an absent or non-functional protein product. This variant has been reported in over 30 individuals from multiple families affected with arrythmogenic right ventricular cardiomyopathy (PMID: 15489853, 23810883, 24967631, 26743238). This variant has been identified in 2/282710 chromosomes in the general population by the Genome Aggregation Database (gnomAD). Loss of PKP2 function is a known mechanism of disease. Based on the available evidence, this variant is classified as Pathogenic.

All of Us Research Program, National Institutes of Health
Classification: Pathogenic for Arrhythmogenic right ventricular cardiomyopathy. Last evaluated: 2024-02-08. Review status: criteria provided, single submitter. Criteria: ACMG Guidelines, 2015. Collection method: clinical testing. Allele origin: germline. Inheritance: Autosomal dominant inheritance. Observed: 2 variant alleles, 2 heterozygotes.
Comment: The c.1912C>T (p.Gln638*) variant in PKP2 gene, that encodes for plakophilin 2, creates a premature termination codon that is predicted to lead to an absent or truncated protein product. This variant has been reported in multiple individuals (>15) affected with arrhythmogenic right ventricular dysplasia/cardiomyopathy (ARVC/D) (PMID:23810883, 15489853, 24967631). Loss of function variants are known to be pathogenic for PKP2 (PMID: 23911551, 15489853, 24704780, 29038103, 34120153). Loss of function variants downstream of this variant are reported to be pathogenic in multiple individuals with ARVC (PMID:15489853, 28431057, 30790397) and classified as pathogenic by several ClinVar submitters (ClinVar ID: 201998). This variant was found to be rare (2/282710; 0.0007%) in the general population database gnomAD and classified as pathogenic by multiple ClinVar submitters (ClinVar ID: 45049). Therefore, the c.1912C>T (p.Gln638*) variant in PKP2 gene is classified as pathogenic.

This study involves interpretation of variants in research participants for the purpose of population health screening. Participant phenotype was not available at the time of variant classification. Additional details can be found in publication PMID: 35346344, PMCID: PMC8962531

Blueprint Genetics
Classification: Pathogenic for PKP2-related disorders. Last evaluated: 2023-12-14. Review status: criteria provided, single submitter. Criteria: ACMG Guidelines, 2015. Collection method: clinical testing. Allele origin: germline. Affected: yes. Observed: 5 variant alleles.

Mayo Clinic Laboratories, Mayo Clinic
Classification: Pathogenic. Last evaluated: 2023-10-23. Review status: criteria provided, single submitter. Criteria: ACMG Guidelines, 2015. Collection method: clinical testing. Allele origin: germline. Observed: 1 variant allele.
Comment: PM2, PS4, PVS1

CHEO Genetics Diagnostic Laboratory, Children's Hospital of Eastern Ontario
Classification: Pathogenic for Cardiomyopathy. Last evaluated: 2022-07-21. Review status: criteria provided, single submitter. Criteria: ACMG Guidelines, 2015. Collection method: clinical testing. Allele origin: germline.

Institute of Human Genetics, Heidelberg University
Classification: Pathogenic for Arrhythmogenic right ventricular dysplasia 9. Last evaluated: 2021-09-23. Review status: criteria provided, single submitter. Criteria: ACMG Guidelines, 2015. Collection method: clinical testing. Allele origin: paternal.
Comment: secondary finding

Fulgent Genetics
Classification: Pathogenic for Arrhythmogenic right ventricular dysplasia 9. Last evaluated: 2021-09-20. Review status: criteria provided, single submitter. Criteria: ACMG Guidelines, 2015. Collection method: clinical testing. Allele origin: unknown.

CeGaT Center for Human Genetics Tuebingen
Classification: Pathogenic. Last evaluated: 2020-12-01. Review status: criteria provided, single submitter. Criteria: CeGaT Center For Human Genetics Tuebingen Variant Classification Criteria Version 2. Collection method: clinical testing. Allele origin: germline. Affected: yes. Observed: 1 variant allele.

NM_001005242.3(PKP2):c.1780C>T (p.Gln594Ter)

Gene: PKP2 (plakophilin 2; minus strand). Cytogenetic location: 12p11.21.
Variant type: single nucleotide variant.
Coding change: c.1780C>T on transcript NM_001005242.3 (MANE Select); coding-DNA position 1780, C replaced by T.
Protein change: p.Gln594Ter; replaces glutamine 594 with a stop codon.
Molecular consequence: nonsense.
Genome position (GRCh38, 1-based): chr12:32,822,526, G>A on the plus strand (C>T on the coding strand, the complement: PKP2 is on the minus strand). VCF-style: chr12-32822526-G-A. GRCh37 (hg19) VCF-style: chr12-32975460-G-A.
Other names: p.Q638*:CAG>TAG; p.Gln638*; c.1912C>T, p.Gln638Ter (NM_004572.4); c.1780C>T (NM_001005242.2); short protein forms Q638*, Q594*.
Identifiers: ClinVar variation 45049 (VCV000045049.78), dbSNP rs397517012, ClinGen allele CA011554.
Genomic context (GRCh38, chr12:32,822,526, plus strand): 5'-CCTCTTTTACTTTCCTGCTTCGACTGCCAAAACATCCAATACTTTTGTTGTTGTCAGTCT[G>A]GATATTCCGGTTTTGAATATAGATATTCTGGGAATATTTCTCTGGGAGCTCTGCCTCCAG-3'